The following is an entry in ClinVar:

ClinVar aggregate classification (germline): Uncertain significance. Review status: criteria provided, multiple submitters, no conflicts (2 of 4 stars). 2 submissions from 2 submitters: Uncertain significance (2). Last evaluated 2024-03-06.

Conditions:
Hereditary cancer-predisposing syndrome. Also called: Tumor predisposition; Hereditary neoplastic syndrome; Neoplastic Syndromes, Hereditary; Hereditary Cancer Syndrome. Identifiers: Orphanet 140162, MedGen C0027672, MeSH D009386, MONDO:0015356.
Familial adenomatous polyposis 1 (FAP1). Also called: POLYPOSIS, ADENOMATOUS INTESTINAL; FAMILIAL ADENOMATOUS POLYPOSIS 1, ATTENUATED. Identifiers: MedGen C2713442, MONDO:0021056, OMIM 175100. Disease mechanism: loss of function.

Allele frequency attached by ClinVar (database versions not stated): gnomAD exomes below 0.00001; TOPMed 0.00001.
gnomAD v4.1: 1 of 1,612,996 alleles (0.000062%); highest among the groups gnomAD compares: Admixed American, 0.0017%; no homozygotes.

Submissions (2):

Labcorp Genetics (formerly Invitae), Labcorp
Classification: Uncertain significance for Familial adenomatous polyposis 1. Last evaluated: 2024-03-06. Review status: criteria provided, single submitter. Criteria: Invitae Variant Classification Sherloc (09022015). Collection method: clinical testing. Allele origin: germline.
Comment: This sequence change replaces valine, which is neutral and non-polar, with glutamic acid, which is acidic and polar, at codon 1789 of the APC protein (p.Val1789Glu). This variant is not present in population databases (gnomAD no frequency). This variant has not been reported in the literature in individuals affected with APC-related conditions. ClinVar contains an entry for this variant (Variation ID: 958970). Advanced modeling of protein sequence and biophysical properties (such as structural, functional, and spatial information, amino acid conservation, physicochemical variation, residue mobility, and thermodynamic stability) performed at Invitae indicates that this missense variant is not expected to disrupt APC protein function with a negative predictive value of 95%. In summary, the available evidence is currently insufficient to determine the role of this variant in disease. Therefore, it has been classified as a Variant of Uncertain Significance.

Ambry Genetics
Classification: Uncertain significance for Hereditary cancer-predisposing syndrome. Last evaluated: 2024-02-27. Review status: criteria provided, single submitter. Criteria: Ambry Variant Classification Scheme 2023. Collection method: clinical testing. Allele origin: germline.
Comment: The p.V1789E variant (also known as c.5366T>A), located in coding exon 15 of the APC gene, results from a T to A substitution at nucleotide position 5366. The valine at codon 1789 is replaced by glutamic acid, an amino acid with dissimilar properties. This amino acid position is poorly conserved in available vertebrate species. In addition, in silico predictors for this gene do not accurately predict pathogenicity. Based on the available evidence, the clinical significance of this alteration remains unclear.

NM_000038.6(APC):c.5366T>A (p.Val1789Glu)

Gene: APC (APC regulator of Wnt signaling pathway; plus strand). Cytogenetic location: 5q22.2.
Variant type: single nucleotide variant.
Coding change: c.5366T>A on transcript NM_000038.6 (MANE Select); coding-DNA position 5366, T replaced by A.
Protein change: p.Val1789Glu; replaces valine 1789 with glutamic acid.
Molecular consequence: missense variant.
Genome position (GRCh38, 1-based): chr5:112,840,960, T>A. VCF-style: chr5-112840960-T-A. GRCh37 (hg19) VCF-style: chr5-112176657-T-A.
Other names: c.5366T>A, p.Val1789Glu (NM_001127510.3, NM_001354895.2); c.5312T>A, p.Val1771Glu (NM_001127511.3); c.5420T>A, p.Val1807Glu (NM_001354896.2); c.5396T>A, p.Val1799Glu (NM_001354897.2); c.5291T>A, p.Val1764Glu (NM_001354898.2); c.5282T>A, p.Val1761Glu (NM_001354899.2); c.5243T>A, p.Val1748Glu (NM_001354900.2); c.5189T>A, p.Val1730Glu (NM_001354901.2); and 5 more; short protein forms V1663E, V1761E, V1771E, V1789E, V1506E, V1688E, V1748E, V1629E.
Identifiers: ClinVar variation 958970 (VCV000958970.13), dbSNP rs1362525174, ClinGen allele CA16033058.